The following is an entry in ClinVar:

ClinVar aggregate classification (germline): Uncertain significance. Review status: criteria provided, multiple submitters, no conflicts (2 of 4 stars). 4 submissions from 4 submitters: Uncertain significance (4). Last evaluated 2026-05-14.

Conditions:
Hereditary cancer-predisposing syndrome. Also called: Tumor predisposition; Hereditary neoplastic syndrome; Neoplastic Syndromes, Hereditary; Hereditary Cancer Syndrome. Identifiers: Orphanet 140162, MedGen C0027672, MeSH D009386, MONDO:0015356.
Classic or attenuated familial adenomatous polyposis. Identifiers: MedGen CN372698, MONDO:0021057.
Familial adenomatous polyposis 1 (FAP1). Also called: FAMILIAL ADENOMATOUS POLYPOSIS 1, ATTENUATED; POLYPOSIS, ADENOMATOUS INTESTINAL. Identifiers: MedGen C2713442, MONDO:0021056, OMIM 175100. Disease mechanism: loss of function.

Allele frequency attached by ClinVar (database versions not stated): gnomAD exomes below 0.00001; ExAC 0.00001.
gnomAD v4.1: 2 of 1,613,900 alleles (0.00012%); highest among the groups gnomAD compares: South Asian, 0.0022%; no homozygotes.

Submissions (4):

Ambry Genetics
Classification: Uncertain significance for Hereditary cancer-predisposing syndrome. Last evaluated: 2026-05-14. Review status: criteria provided, single submitter. Criteria: Ambry Variant Classification Scheme 2023. Collection method: clinical testing. Allele origin: germline.
Comment: The p.E2587K variant (also known as c.7759G>A), located in coding exon 15 of the APC gene, results from a G to A substitution at nucleotide position 7759. The glutamic acid at codon 2587 is replaced by lysine, an amino acid with similar properties. This amino acid position is highly conserved in available vertebrate species. In addition, in silico predictors for this gene do not accurately predict pathogenicity. Missense variants in APC are not a common cause of disease (Spier I et al. Genet Med. 2024 Feb;26(2):100992). Based on the available evidence, the clinical significance of this variant remains unclear.

Color Diagnostics, LLC DBA Color Health
Classification: Uncertain significance for Hereditary cancer-predisposing syndrome. Last evaluated: 2025-06-20. Review status: criteria provided, single submitter. Criteria: ACMG Guidelines, 2015. Collection method: clinical testing. Allele origin: germline.
Comment: This missense variant replaces glutamic acid with lysine at codon 2587 of the APC protein. Computational prediction suggests that this variant may not impact protein structure and function. To our knowledge, functional studies have not been reported for this variant. This variant has not been reported in individuals affected with APC-related disorders in the literature. This variant has been identified in 1/250726 chromosomes in the general population by the Genome Aggregation Database (gnomAD). The available evidence is insufficient to determine the role of this variant in disease conclusively. Therefore, this variant is classified as a Variant of Uncertain Significance.

All of Us Research Program, National Institutes of Health
Classification: Uncertain significance for Classic or attenuated familial adenomatous polyposis. Last evaluated: 2024-03-05. Review status: criteria provided, single submitter. Criteria: ACMG Guidelines, 2015. Collection method: clinical testing. Allele origin: germline. Inheritance: Autosomal dominant inheritance. Observed: 1 variant allele, 1 heterozygote.
Comment: This study involves interpretation of variants in research participants for the purpose of population health screening. Participant phenotype was not available at the time of variant classification. Additional details can be found in publication PMID: 35346344, PMCID: PMC8962531

Labcorp Genetics (formerly Invitae), Labcorp
Classification: Uncertain significance for Familial adenomatous polyposis 1. Last evaluated: 2022-10-28. Review status: criteria provided, single submitter. Criteria: Invitae Variant Classification Sherloc (09022015). Collection method: clinical testing. Allele origin: germline.
Comment: This variant has not been reported in the literature in individuals affected with APC-related conditions. This variant is present in population databases (rs751299922, gnomAD 0.003%). This sequence change replaces glutamic acid, which is acidic and polar, with lysine, which is basic and polar, at codon 2587 of the APC protein (p.Glu2587Lys). Advanced modeling of protein sequence and biophysical properties (such as structural, functional, and spatial information, amino acid conservation, physicochemical variation, residue mobility, and thermodynamic stability) performed at Invitae indicates that this missense variant is not expected to disrupt APC protein function. In summary, the available evidence is currently insufficient to determine the role of this variant in disease. Therefore, it has been classified as a Variant of Uncertain Significance.

NM_000038.6(APC):c.7759G>A (p.Glu2587Lys)

Gene: APC (APC regulator of Wnt signaling pathway; plus strand). Cytogenetic location: 5q22.2.
Variant type: single nucleotide variant.
Coding change: c.7759G>A on transcript NM_000038.6 (MANE Select); coding-DNA position 7759, G replaced by A.
Protein change: p.Glu2587Lys; replaces glutamic acid 2587 with lysine.
Molecular consequence: missense variant. On other transcripts: non-coding transcript variant (2).
Genome position (GRCh38, 1-based): chr5:112,843,353, G>A. VCF-style: chr5-112843353-G-A. GRCh37 (hg19) VCF-style: chr5-112179050-G-A.
Other names: c.7759G>A, p.Glu2587Lys (NM_001127510.3, NM_001354895.2, NM_001407450.1); c.7705G>A, p.Glu2569Lys (NM_001127511.3); c.7813G>A, p.Glu2605Lys (NM_001354896.2, NM_001407447.1, NM_001407448.1 and 1 more transcripts); c.7789G>A, p.Glu2597Lys (NM_001354897.2); c.7738G>A, p.Glu2580Lys (NM_001407451.1); c.7729G>A, p.Glu2577Lys (NM_001407452.1); c.7582G>A, p.Glu2528Lys (NM_001407453.1, NM_001354901.2); c.7510G>A, p.Glu2504Lys (NM_001407454.1, NM_001407455.1, NM_001407456.1 and 1 more transcripts); and 12 more; short protein forms E2304K, E2427K, E2486K, E2528K, E2546K, E2559K, E2580K, E2597K.
Identifiers: ClinVar variation 2786642 (VCV002786642.6), dbSNP rs751299922, ClinGen allele CA049054.